The following is an entry in ClinVar:

NM_015378.4(VPS13D):c.2995A>G (p.Thr999Ala)

Gene: VPS13D (vacuolar protein sorting 13 homolog D; plus strand). Cytogenetic location: 1p36.22.
Variant type: single nucleotide variant.
Coding change: c.2995A>G on transcript NM_015378.4 (MANE Select); coding-DNA position 2995, A replaced by G.
Protein change: p.Thr999Ala; replaces threonine 999 with alanine.
Molecular consequence: missense variant.
Genome position (GRCh38, 1-based): chr1:12,276,583, A>G. VCF-style: chr1-12276583-A-G. GRCh37 (hg19) VCF-style: chr1-12336640-A-G.
Other names: c.2995A>G, p.Thr999Ala (NM_018156.4); short protein forms T999A.
Identifiers: ClinVar variation 2075234 (VCV002075234.4), dbSNP rs374565407, ClinGen allele CA601903.
Genomic context (GRCh38, chr1:12,276,583, plus strand): 5'-AAGGTGTTTGGTACCAATGCTCACTTTGTGAAGAGGCCTTATGATGCTGAAGTCTCCCTA[A>G]CTGTTCATGGTTTGCTCCTGGTGGATACCATGCAGACATATGGTGCTGATTTTGACCTTT-3'
Protein context (NP_056193.2, residues 989-1009): KRPYDAEVSL[Thr999Ala]VHGLLLVDTM

ClinVar aggregate classification (germline): Uncertain significance (1 of 4 stars; one submission).

Allele frequency attached by ClinVar (database versions not stated): gnomAD exomes below 0.00001; TOPMed below 0.00001; ExAC 0.00001; gnomAD 0.00001; ESP Exome Variant Server 0.00008.
gnomAD v4.1: 11 of 1,613,876 alleles (0.00068%); highest among the groups gnomAD compares: Middle Eastern, 0.033%; no homozygotes.

Submission:

Labcorp Genetics (formerly Invitae), Labcorp
Classification: Uncertain significance. Last evaluated: 2022-10-17. Review status: criteria provided, single submitter. Criteria: Invitae Variant Classification Sherloc (09022015). Collection method: clinical testing. Allele origin: germline.
Comment: In summary, the available evidence is currently insufficient to determine the role of this variant in disease. Therefore, it has been classified as a Variant of Uncertain Significance. Advanced modeling of protein sequence and biophysical properties (such as structural, functional, and spatial information, amino acid conservation, physicochemical variation, residue mobility, and thermodynamic stability) performed at Invitae indicates that this missense variant is expected to disrupt VPS13D protein function. This variant has not been reported in the literature in individuals affected with VPS13D-related conditions. This variant is present in population databases (rs374565407, gnomAD 0.002%). This sequence change replaces threonine, which is neutral and polar, with alanine, which is neutral and non-polar, at codon 999 of the VPS13D protein (p.Thr999Ala).